The following is an entry in ClinVar:

ClinVar aggregate classification (germline): Uncertain significance (1 of 4 stars; one submission).

Conditions:
Pheochromocytoma/paraganglioma syndrome 3. Also called: SDHC-Related Hereditary Paraganglioma-Pheochromocytoma Syndrome (Paragangliomas 3); GLOMUS TUMORS, FAMILIAL, 3; SDHC-Related Hereditary Paraganglioma-Pheochromocytoma Syndrome; Paragangliomas 3. Identifiers: Orphanet 29072, MedGen C1854336, MONDO:0011544, OMIM 605373.
Gastrointestinal stromal tumor. Also called: Gastrointestinal stroma tumor; Gastrointestinal stromal tumor, somatic. Identifiers: Orphanet 44890, MedGen C0238198, MeSH D046152, MONDO:0011719, OMIM 606764, HP:0100723.

Submission:

Labcorp Genetics (formerly Invitae), Labcorp
Classification: Uncertain significance for Paragangliomas 3; Gastrointestinal stroma tumor. Last evaluated: 2018-01-19. Review status: criteria provided, single submitter. Criteria: Invitae Variant Classification Sherloc (09022015). Collection method: clinical testing. Allele origin: germline.
Comment: This variant is a gross duplication of the genomic region encompassing exons 5-6 of the SDHC gene. The 5' boundary is likely confined to intron 4. The 3' end of this event is unknown as it extends beyond the assayed region for this gene and therefore may encompass additional genes. A duplication of exons 5-6 has not been reported in the literature in individuals with SDHC-related disease. Experimental studies and prediction algorithms are not available for this variant, and the functional significance of the duplicated exons is currently unknown. In summary, the available evidence is currently insufficient to determine the role of this variant in disease. Therefore, it has been classified as a Variant of Uncertain Significance.

NC_000001.10:g.(?_161326461)_(161332229_?)dup

Gene: SDHC (succinate dehydrogenase complex subunit C; plus strand). Cytogenetic location: 1q23.3.
Variant type: Duplication.
Identifiers: ClinVar variation 465960 (VCV000465960.1).